The following is an entry in ClinVar:

ClinVar aggregate classification (germline): Uncertain significance (1 of 4 stars; one submission).

gnomAD v4.1: 1 of 1,553,972 alleles (0.000064%); highest among the groups gnomAD compares: Non-Finnish European, 0.000087%; no homozygotes.

Submission:

GeneDx
Classification: Uncertain significance. Last evaluated: 2024-01-02. Review status: criteria provided, single submitter. Criteria: GeneDx Variant Classification Process June 2021. Collection method: clinical testing. Allele origin: germline. Affected: yes.
Comment: In silico analysis supports that this missense variant has a deleterious effect on protein structure/function; Has not been previously published as pathogenic or benign to our knowledge

NM_000142.5(FGFR3):c.542A>T (p.Asn181Ile)

Gene: FGFR3 (fibroblast growth factor receptor 3; plus strand). Cytogenetic location: 4p16.3.
Variant type: single nucleotide variant.
Coding change: c.542A>T on transcript NM_000142.5 (MANE Select); coding-DNA position 542, A replaced by T.
Protein change: p.Asn181Ile; replaces asparagine 181 with isoleucine.
Molecular consequence: missense variant. On other transcripts: non-coding transcript variant (1).
Genome position (GRCh38, 1-based): chr4:1,801,463, A>T. VCF-style: chr4-1801463-A-T. GRCh37 (hg19) VCF-style: chr4-1803190-A-T.
Other names: c.542A>T, p.Asn181Ile (NM_001163213.2, NM_001354809.2, NM_001354810.2 and 1 more transcripts); short protein forms N181I.
Identifiers: ClinVar variation 3365927 (VCV003365927.1).
Genomic context (GRCh38, chr4:1,801,463, plus strand): 5'-AGAAGCTGCTGGCCGTGCCGGCCGCCAACACCGTCCGCTTCCGCTGCCCAGCCGCTGGCA[A>T]CCCCACTCCCTCCATCTCCTGGCTGAAGAACGGCAGGGAGTTCCGCGGCGAGCACCGCAT-3'
Protein context (NP_000133.1, residues 171-191): TVRFRCPAAG[Asn181Ile]PTPSISWLKN